The following is an entry in ClinVar:

ClinVar aggregate classification (germline): Uncertain significance (1 of 4 stars; one submission).

Allele frequency attached by ClinVar (database versions not stated): TOPMed 0.00001.

Submission:

Labcorp Genetics (formerly Invitae), Labcorp
Classification: Uncertain significance. Last evaluated: 2022-05-14. Review status: criteria provided, single submitter. Criteria: Invitae Variant Classification Sherloc (09022015). Collection method: clinical testing. Allele origin: germline.
Comment: This sequence change replaces proline, which is neutral and non-polar, with serine, which is neutral and polar, at codon 917 of the MPDZ protein (p.Pro917Ser). This variant is present in population databases (no rsID available, gnomAD 0.002%). This variant has not been reported in the literature in individuals affected with MPDZ-related conditions. Algorithms developed to predict the effect of missense changes on protein structure and function output the following: SIFT: "Tolerated"; PolyPhen-2: "Benign"; Align-GVGD: "Class C0". The serine amino acid residue is found in multiple mammalian species, which suggests that this missense change does not adversely affect protein function. In summary, the available evidence is currently insufficient to determine the role of this variant in disease. Therefore, it has been classified as a Variant of Uncertain Significance.

NM_001378778.1(MPDZ):c.2749C>T (p.Pro917Ser)

Gene: MPDZ (multiple PDZ domain crumbs cell polarity complex component; minus strand). Cytogenetic location: 9p23.
Variant type: single nucleotide variant.
Coding change: c.2749C>T on transcript NM_001378778.1 (MANE Select); coding-DNA position 2749, C replaced by T.
Protein change: p.Pro917Ser; replaces proline 917 with serine.
Molecular consequence: missense variant.
Genome position (GRCh38, 1-based): chr9:13,176,318, G>A on the plus strand (C>T on the coding strand, the complement: MPDZ is on the minus strand). VCF-style: chr9-13176318-G-A. GRCh37 (hg19) VCF-style: chr9-13176317-G-A.
Other names: c.2749C>T, p.Pro917Ser (NM_001261406.2, NM_001261407.2, NM_001330637.2 and 14 more transcripts); short protein forms P917S.
Identifiers: ClinVar variation 1397313 (VCV001397313.4), dbSNP rs565391371, ClinGen allele CA372935314.